The following is an entry in ClinVar:

ClinVar aggregate classification (germline): Likely pathogenic (1 of 4 stars; one submission).

Conditions:
Adams-Oliver syndrome 5 (AOS5). Identifiers: Orphanet 974, MedGen C4014970, MONDO:0014459, OMIM 616028.

Submission:

CGC Genetics, Unilabs
Classification: Likely pathogenic for Adams-Oliver syndrome 5. Last evaluated: 2025-06-27. Review status: criteria provided, single submitter. Criteria: ACMG Guidelines, 2015. Collection method: clinical testing. Allele origin: germline. Inheritance: Autosomal dominant inheritance. Affected: yes. Observed: 1 variant allele.
Comment: The NM_017617.5:c.5276_5282del p.(Lys1759Serfs*37) variant, detected in heterozygosity in the NOTCH1 gene, has not been previously reported in the literature, in ClinVar or in the gnomAD population database. This is a frameshift variant located in exon 28 (of 34), which introduces a premature stop codon, predicted to result in a truncated protein and/or reduced expression due to nonsense-mediated mRNA decay. Based on currently available information and current classification guidelines, this variant should be classified as likely pathogenic.

NM_017617.5(NOTCH1):c.5276_5282del (p.Lys1759fs)

Gene: NOTCH1 (notch receptor 1; minus strand). Cytogenetic location: 9q34.3.
Variant type: Deletion.
Coding change: c.5276_5282del on transcript NM_017617.5 (MANE Select); coding-DNA positions 5276 to 5282, 7 bases deleted (AGCGCCG; older notation c.5276_5282delAGCGCCG).
Protein change: p.Lys1759fs; shifts the reading frame from lysine 1759.
Molecular consequence: frameshift variant.
Genome position (GRCh38, 1-based): chr9:136,502,374-136,502,380, CGGCGCT deleted on the plus strand (AGCGCCG on the coding strand, the reverse complement: NOTCH1 is on the minus strand). VCF-style (leftmost placement, unchanged base first): chr9-136502373-CCGGCGCT-C. GRCh37 (hg19) VCF-style: chr9-139396825-CCGGCGCT-C.
Other names: short protein forms K1759fs.
Identifiers: ClinVar variation 4851610 (VCV004851610.1).